The following is an entry in ClinVar:

ClinVar aggregate classification (germline): Uncertain significance (1 of 4 stars; one submission).

Conditions:
Primary ciliary dyskinesia. Also called: Ciliary dyskinesia. Identifiers: Orphanet 244, MedGen C0008780, MONDO:0016575, HP:0012265.

Allele frequency attached by ClinVar (database versions not stated): ExAC 0.00001; ESP Exome Variant Server 0.00008.
gnomAD v4.1: 8 of 1,608,466 alleles (0.0005%); highest among the groups gnomAD compares: South Asian, 0.0011%; no homozygotes.

Submission:

Labcorp Genetics (formerly Invitae), Labcorp
Classification: Uncertain significance for Primary ciliary dyskinesia. Last evaluated: 2022-07-08. Review status: criteria provided, single submitter. Criteria: Invitae Variant Classification Sherloc (09022015). Collection method: clinical testing. Allele origin: germline.
Comment: This sequence change replaces glutamine, which is neutral and polar, with glutamic acid, which is acidic and polar, at codon 1648 of the DNAH11 protein (p.Gln1648Glu). This variant is present in population databases (rs373372239, gnomAD 0.003%). This variant has not been reported in the literature in individuals affected with DNAH11-related conditions. Experimental studies and prediction algorithms are not available or were not evaluated, and the functional significance of this variant is currently unknown. In summary, the available evidence is currently insufficient to determine the role of this variant in disease. Therefore, it has been classified as a Variant of Uncertain Significance.

NM_001277115.2(DNAH11):c.4942C>G (p.Gln1648Glu)

Gene: DNAH11 (dynein axonemal heavy chain 11; plus strand). Cytogenetic location: 7p15.3.
Variant type: single nucleotide variant.
Coding change: c.4942C>G on transcript NM_001277115.2 (MANE Select); coding-DNA position 4942, C replaced by G.
Protein change: p.Gln1648Glu; replaces glutamine 1648 with glutamic acid.
Molecular consequence: missense variant.
Genome position (GRCh38, 1-based): chr7:21,639,063, C>G. VCF-style: chr7-21639063-C-G. GRCh37 (hg19) VCF-style: chr7-21678681-C-G.
Other names: c.4957C>G, p.Gln1653Glu (NM_003777.3); short protein forms Q1648E, Q1653E.
Identifiers: ClinVar variation 1926650 (VCV001926650.2), dbSNP rs373372239, ClinGen allele CA4180222.